The following is an entry in ClinVar:

ClinVar aggregate classification (germline): Benign/Likely benign. Review status: criteria provided, multiple submitters, no conflicts (2 of 4 stars). 6 submissions from 6 submitters: Benign (1); Likely benign (5). Last evaluated 2025-12-18.

Conditions:
Hereditary nonpolyposis colorectal neoplasms. Identifiers: MedGen C0009405, MeSH D003123.
Hereditary cancer-predisposing syndrome. Also called: Neoplastic Syndromes, Hereditary; Hereditary Cancer Syndrome; Tumor predisposition; Hereditary neoplastic syndrome. Identifiers: Orphanet 140162, MedGen C0027672, MeSH D009386, MONDO:0015356.
Lynch syndrome 5 (LYNCH5). Also called: Hereditary non-polyposis colorectal cancer, type 5; Colorectal cancer, hereditary nonpolyposis, type 5. Identifiers: Orphanet 144, MedGen C1833477, MONDO:0013710, OMIM 614350. Disease mechanism: loss of function.

Allele frequency attached by ClinVar (database versions not stated): gnomAD below 0.00001 and 0.00001; gnomAD exomes 0.00002 and 0.00005; ExAC 0.00004.
gnomAD v4.1: 32 of 1,584,034 alleles (0.002%); highest among the groups gnomAD compares: South Asian, 0.036%; no homozygotes.

Submissions (6):

Labcorp Genetics (formerly Invitae), Labcorp
Classification: Likely benign for Hereditary nonpolyposis colorectal neoplasms. Last evaluated: 2025-12-18. Review status: criteria provided, single submitter. Criteria: Invitae Variant Classification Sherloc (09022015). Collection method: clinical testing. Allele origin: germline.

Myriad Genetics, Inc.
Classification: Benign for Lynch syndrome 5. Last evaluated: 2025-01-02. Review status: criteria provided, single submitter. Criteria: Myriad Autosomal Dominant, Autosomal Recessive and X-Linked Classification Criteria (2023). Collection method: clinical testing. Allele origin: unknown.
Comment: This variant is considered benign. This variant is a silent/synonymous amino acid change and it is not expected to impact splicing.

Sema4
Classification: Likely benign for Hereditary cancer-predisposing syndrome. Last evaluated: 2021-12-23. Review status: criteria provided, single submitter. Criteria: Sema4 Curation Guidelines. Collection method: curation. Allele origin: germline.

Color Diagnostics, LLC DBA Color Health
Classification: Likely benign for Hereditary cancer-predisposing syndrome. Last evaluated: 2018-11-01. Review status: criteria provided, single submitter. Criteria: ACMG Guidelines, 2015. Collection method: clinical testing. Allele origin: germline.

GeneDx
Classification: Likely benign. Last evaluated: 2018-08-09. Review status: criteria provided, single submitter. Criteria: GeneDx Variant Classification Process June 2021. Collection method: clinical testing. Allele origin: germline. Affected: yes.

Ambry Genetics
Classification: Likely benign for Hereditary cancer-predisposing syndrome. Last evaluated: 2017-10-13. Review status: criteria provided, single submitter. Criteria: Ambry Variant Classification Scheme 2023. Collection method: clinical testing. Allele origin: germline.

NM_000179.3(MSH6):c.2928T>C (p.Arg976=)

Gene: MSH6 (mutS homolog 6; plus strand). Cytogenetic location: 2p16.3.
Variant type: single nucleotide variant.
Coding change: c.2928T>C on transcript NM_000179.3 (MANE Select); coding-DNA position 2928, T replaced by C.
Protein change: p.Arg976=; no amino-acid change (arginine 976 retained).
Molecular consequence: synonymous variant.
Genome position (GRCh38, 1-based): chr2:47,800,911, T>C. VCF-style: chr2-47800911-T-C. GRCh37 (hg19) VCF-style: chr2-48028050-T-C.
Other names: c.2538T>C, p.Arg846= (NM_001281492.2); c.2022T>C, p.Arg674= (NM_001281493.2, NM_001281494.2).
Identifiers: ClinVar variation 393087 (VCV000393087.17), dbSNP rs764440377, ClinGen allele CA069828.